The following is an entry in ClinVar:

ClinVar aggregate classification (germline): Uncertain significance (1 of 4 stars; one submission).

Submission:

GeneDx
Classification: Uncertain significance. Last evaluated: 2024-01-23. Review status: criteria provided, single submitter. Criteria: GeneDx Variant Classification Process June 2021. Collection method: clinical testing. Allele origin: germline. Affected: yes.
Comment: Not observed at significant frequency in large population cohorts (gnomAD); In-frame duplication of 1 amino acid in a non-repeat region; In silico analysis supports that this variant does not alter protein structure/function; Has not been previously published as pathogenic or benign to our knowledge

NM_001394062.1(MACF1):c.1209CAT[3] (p.Ile405_Glu406insIle)

Gene: MACF1 (microtubule actin crosslinking factor 1; plus strand). Cytogenetic location: 1p34.3.
Variant type: Microsatellite.
Coding change: c.1209CAT[3] on transcript NM_001394062.1 (MANE Select); three copies in a row of the 3-base unit CAT starting at c.1209; the reference has two copies in a row; one copy, 3 bases duplicated.
Protein change: p.Ile405_Glu406insIle.
Molecular consequence: inframe insertion.
Genome position (GRCh38, 1-based): chr1:39,285,163-39,285,165, CAT duplicated; duplicating any 3 consecutive bases within chr1:39,285,159-39,285,165 gives the same sequence; the position shown is the placement nearest the transcript's 3' end. VCF-style (leftmost placement, unchanged base first): chr1-39285158-C-CTCA. GRCh37 (hg19) VCF-style: chr1-39750830-C-CTCA.
Other names: c.1224CAT[3], p.Ile410_Glu411insIle (NM_012090.5); c.1227_1229dup (NM_012090.5).
Identifiers: ClinVar variation 3368290 (VCV003368290.1).
Genomic context (GRCh38, chr1:39,285,158, plus strand): 5'-GGCCGAATTAAACTGCCTCAAGGTTATCACCCTAATGATGTGGAAGAAGAGTGGGGAAAG[C>CTCA]TCATCATAGAGATGCTGGAACGAGAGAAATCACTTCGGCCGGCTGTGGAGAGGTGGGTCC-3'